The following is an entry in ClinVar:

ClinVar aggregate classification (germline): Likely pathogenic. Review status: criteria provided, multiple submitters, no conflicts (2 of 4 stars). 3 submissions from 3 submitters: Likely pathogenic (2). 1 of the submissions does not count toward it. Last evaluated 2020-05-30.

Conditions:
Achondrogenesis type II (ACG2). Also called: ACHONDROGENESIS, LANGER-SALDINO TYPE; CHONDROGENESIS IMPERFECTA. Identifiers: Orphanet 932, Orphanet 93296, MedGen C0220685, MONDO:0008702, OMIM 200610.

Submissions (3):

Labcorp Genetics (formerly Invitae), Labcorp
Classification: Likely pathogenic. Last evaluated: 2020-05-30. Review status: criteria provided, single submitter. Criteria: Invitae Variant Classification Sherloc (09022015). Collection method: clinical testing. Allele origin: germline.
Comment: In summary, the currently available evidence indicates that the variant is pathogenic, but additional data are needed to prove that conclusively. Therefore, this variant has been classified as Likely Pathogenic. Glycine residues within the Gly-Xaa-Yaa repeats of the triple helix domain are required for the structure and stability of fibrillar collagens (PMID: 7695699, 8218237, 19344236). In COL2A1, missense variants at these glycine residues are significantly enriched in individuals with disease (PMID: 10612821, 26443184) compared to the general population (ExAC). This variant has not been reported in the literature in individuals with COL2A1-related conditions. ClinVar contains an entry for this variant (Variation ID: 501233). This variant is not present in population databases (ExAC no frequency). This sequence change replaces glycine with aspartic acid at codon 1050 of the COL2A1 protein (p.Gly1050Asp). The glycine residue is highly conserved and there is a moderate physicochemical difference between glycine and aspartic acid.

Eurofins Ntd Llc (ga)
Classification: Likely pathogenic. Last evaluated: 2017-04-18. Review status: criteria provided, single submitter. Criteria: EGL Classification Definitions 2015. Collection method: clinical testing. Allele origin: germline. Observed: 1 variant allele, 1 heterozygote.

Institute of Medical Genetics and Genomics, Sir Ganga Ram Hospital
Classification: Likely pathogenic for Achondrogenesis type II. Last evaluated: 2022-01-30. Review status: no assertion criteria provided. Collection method: clinical testing. Allele origin: de novo. Inheritance: Autosomal dominant inheritance. Affected: yes. Observed: 1 heterozygote. Not counted in ClinVar's aggregate classification.
Comment: The novel heterozygous mis-sense variant c.3149G>A (p.G1050E) has not been observed in gnomAD and 1000g. In-silico bioinformatic software predict this variant by mutation taster as Disease causing and SIFT & PROVEAN as Damaging. Achondrogenesis type II is an autosomal dominant disorder and based on the phenotypic observation we classify this variant as likely pathogenic.

Literature cited by the submitters: PubMed 7695699 (cited by Labcorp Genetics (formerly Invitae), Labcorp); PubMed 8218237 (cited by Labcorp Genetics (formerly Invitae), Labcorp); PubMed 19344236 (cited by Labcorp Genetics (formerly Invitae), Labcorp); PubMed 10612821 (cited by Labcorp Genetics (formerly Invitae), Labcorp); PubMed 26443184 (cited by Labcorp Genetics (formerly Invitae), Labcorp).

NM_001844.5(COL2A1):c.3149G>A (p.Gly1050Asp)

Gene: COL2A1 (collagen type II alpha 1 chain; minus strand). Cytogenetic location: 12q13.11.
Variant type: single nucleotide variant.
Coding change: c.3149G>A on transcript NM_001844.5 (MANE Select); coding-DNA position 3149, G replaced by A.
Protein change: p.Gly1050Asp; replaces glycine 1050 with aspartic acid.
Molecular consequence: missense variant.
Genome position (GRCh38, 1-based): chr12:47,977,616, C>T on the plus strand (G>A on the coding strand, the complement: COL2A1 is on the minus strand). VCF-style: chr12-47977616-C-T. GRCh37 (hg19) VCF-style: chr12-48371399-C-T.
Other names: c.2942G>A, p.Gly981Asp (NM_033150.3); short protein forms G1050D, G981D.
Identifiers: ClinVar variation 501233 (VCV000501233.16), dbSNP rs1555165242, ClinGen allele CA384540524.